The following is an entry in ClinVar:

NM_004863.4(SPTLC2):c.444C>T (p.Ile148=)

Gene: SPTLC2 (serine palmitoyltransferase long chain base subunit 2; minus strand). Cytogenetic location: 14q24.3.
Variant type: single nucleotide variant.
Coding change: c.444C>T on transcript NM_004863.4 (MANE Select); coding-DNA position 444, C replaced by T.
Protein change: p.Ile148=; no amino-acid change (isoleucine 148 retained).
Molecular consequence: synonymous variant.
Genome position (GRCh38, 1-based): chr14:77,578,993, G>A on the plus strand (C>T on the coding strand, the complement: SPTLC2 is on the minus strand). VCF-style: chr14-77578993-G-A. GRCh37 (hg19) VCF-style: chr14-78045336-G-A.
Identifiers: ClinVar variation 1101509 (VCV001101509.32), dbSNP rs369523661, ClinGen allele CA263842147.
Genomic context (GRCh38, chr14:77,578,993, plus strand): 5'-TAATTTCCCAACCAAGACTCACTTGAAGGACCAGTTATAATCATGAGACTGTCTCTCCAT[G>A]ATGTCCACCCTGGCTCCAGGCACACTACAGATTGGCCGATTCCAGTTGTCTCTTATCCTC-3'
Protein context (NP_004854.1, residues 138-158): ICSVPGARVD[Ile148=]MERQSHDYNW

ClinVar aggregate classification (germline): Likely benign. Review status: criteria provided, multiple submitters, no conflicts (2 of 4 stars). 2 submissions from 2 submitters: Likely benign (2). Last evaluated 2025-12-31.

Conditions:
Neuropathy, hereditary sensory and autonomic, type 1C. Also called: HSAN IC; HSN IC. Identifiers: Orphanet 36386, MedGen C3150896, MONDO:0013337, OMIM 613640.

Allele frequency attached by ClinVar (database versions not stated): ESP Exome Variant Server 0.00008; gnomAD exomes below 0.00001; TOPMed 0.00001.
gnomAD v4.1: 2 of 1,614,024 alleles (0.00012%); highest among the groups gnomAD compares: Non-Finnish European, 0.00017%; no homozygotes.

Submissions (2):

Labcorp Genetics (formerly Invitae), Labcorp
Classification: Likely benign for Neuropathy, hereditary sensory and autonomic, type 1C. Last evaluated: 2025-12-31. Review status: criteria provided, single submitter. Criteria: Invitae Variant Classification Sherloc (09022015). Collection method: clinical testing. Allele origin: germline.

CeGaT Center for Human Genetics Tuebingen
Classification: Likely benign. Last evaluated: 2023-04-01. Review status: criteria provided, single submitter. Criteria: CeGaT Center For Human Genetics Tuebingen Variant Classification Criteria Version 2. Collection method: clinical testing. Allele origin: germline. Affected: yes. Observed: 1 variant allele.
Comment: SPTLC2: PM2:Supporting, BP4, BP7